The following is an entry in ClinVar:

ClinVar aggregate classification (germline): Uncertain significance (1 of 4 stars; one submission).

gnomAD v4.1: 7 of 1,614,040 alleles (0.00043%); highest among the groups gnomAD compares: Admixed American, 0.0017%; no homozygotes.

Submission:

Labcorp Genetics (formerly Invitae), Labcorp
Classification: Uncertain significance. Last evaluated: 2025-11-26. Review status: criteria provided, single submitter. Criteria: Invitae Variant Classification Sherloc (09022015). Collection method: clinical testing. Allele origin: germline.
Comment: This sequence change replaces valine, which is neutral and non-polar, with glycine, which is neutral and non-polar, at codon 620 of the WFS1 protein (p.Val620Gly). This variant is present in population databases (rs754112850, gnomAD 0.003%). This variant has not been reported in the literature in individuals affected with WFS1-related conditions. ClinVar contains an entry for this variant (Variation ID: 2954643). Invitae Evidence Modeling of protein sequence and biophysical properties (such as structural, functional, and spatial information, amino acid conservation, physicochemical variation, residue mobility, and thermodynamic stability) has been performed for this missense variant. However, the output from this modeling did not meet the statistical confidence thresholds required to predict the impact of this variant on WFS1 protein function. In summary, the available evidence is currently insufficient to determine the role of this variant in disease. Therefore, it has been classified as a Variant of Uncertain Significance.

NM_006005.3(WFS1):c.1859T>G (p.Val620Gly)

Gene: WFS1 (wolframin ER transmembrane glycoprotein; plus strand). Cytogenetic location: 4p16.1.
Variant type: single nucleotide variant.
Coding change: c.1859T>G on transcript NM_006005.3 (MANE Select); coding-DNA position 1859, T replaced by G.
Protein change: p.Val620Gly; replaces valine 620 with glycine.
Molecular consequence: missense variant.
Genome position (GRCh38, 1-based): chr4:6,301,654, T>G. VCF-style: chr4-6301654-T-G. GRCh37 (hg19) VCF-style: chr4-6303381-T-G.
Other names: c.1859T>G, p.Val620Gly (NM_001145853.1); short protein forms V620G.
Identifiers: ClinVar variation 2954643 (VCV002954643.3), dbSNP rs754112850, ClinGen allele CA2839523.